The following is an entry in ClinVar:

NM_172250.3(MMAA):c.161G>A (p.Trp54Ter)

Gene: MMAA (metabolism of cobalamin associated A; plus strand). Cytogenetic location: 4q31.21.
Variant type: single nucleotide variant.
Coding change: c.161G>A on transcript NM_172250.3 (MANE Select); coding-DNA position 161, G replaced by A.
Protein change: p.Trp54Ter; replaces tryptophan 54 with a stop codon.
Molecular consequence: nonsense.
Genome position (GRCh38, 1-based): chr4:145,639,300, G>A. VCF-style: chr4-145639300-G-A. GRCh37 (hg19) VCF-style: chr4-146560452-G-A.
Other names: short protein forms W54*.
Identifiers: ClinVar variation 218970 (VCV000218970.7), dbSNP rs864309725, ClinGen allele CA347884.

ClinVar aggregate classification (germline): Pathogenic. Review status: criteria provided, multiple submitters, no conflicts (2 of 4 stars). 4 submissions from 4 submitters: Pathogenic (2). 2 of the submissions do not count toward it. Last evaluated 2025-06-20.

Conditions:
Methylmalonic aciduria, cblA type (MACA). Also called: Vitamin B12-responsive methylmalonic acidemia type cblA; Methylmalonic aciduria, vitamin b12-responsive, due to defect in synthesis of adenosylcobalamin, cbla complementation type; MMA cbl A type; Methylmalonic acidemia cblA type; Methylmalonic aciduria, vitamin B12-responsive. Identifiers: Orphanet 28, Orphanet 79310, MedGen C1855109, MONDO:0009613, OMIM 251100.

Allele frequency attached by ClinVar (database versions not stated): gnomAD exomes below 0.00001; TOPMed below 0.00001.
gnomAD v4.1: 1 of 1,614,112 alleles (0.000062%); highest among the groups gnomAD compares: Non-Finnish European, 0.000085%; no homozygotes.

Submissions (4):

Natera, Inc.
Classification: Pathogenic for Methylmalonic aciduria cblA type. Last evaluated: 2025-06-20. Review status: criteria provided, single submitter. Criteria: Natera Variant Classification Schema (03/2026). Collection method: clinical testing. Allele origin: germline.
Comment: The c.161G>A variant in MMAA is a nonsense variant predicted to introduce a stop codon at amino acid 54. This variant is expected to result in nonsense mediated decay, truncation, or a dysfunctional protein product. This variant is rare in the general population with a frequency below the threshold expected for the associated phenotype(s). This variant has been observed in one or more individuals affected with the associated recessive disease, as either homozygous or compound heterozygous with a second variant (PMID: 15523652). Given the available evidence, this variant is classified as Pathogenic.

Labcorp Genetics (formerly Invitae), Labcorp
Classification: Pathogenic for Methylmalonic aciduria, cblA type. Last evaluated: 2024-01-31. Review status: criteria provided, single submitter. Criteria: Invitae Variant Classification Sherloc (09022015). Collection method: clinical testing. Allele origin: germline.
Comment: This sequence change creates a premature translational stop signal (p.Trp54*) in the MMAA gene. It is expected to result in an absent or disrupted protein product. Loss-of-function variants in MMAA are known to be pathogenic (PMID: 15523652, 15781192). This variant is not present in population databases (gnomAD no frequency). This premature translational stop signal has been observed in individual(s) with methylmalonic aciduria (PMID: 15523652). ClinVar contains an entry for this variant (Variation ID: 218970). For these reasons, this variant has been classified as Pathogenic.

Counsyl
Classification: Likely pathogenic for Methylmalonic aciduria, cblA type. Last evaluated: 2017-09-07. Review status: no assertion criteria provided. Collection method: clinical testing. Allele origin: unknown. Not counted in ClinVar's aggregate classification.

GeneReviews
No classification provided. Condition: Methylmalonic aciduria, cblA type. Review status: no classification provided. Collection method: literature only. Allele origin: germline. Affected: yes. Not counted in ClinVar's aggregate classification.

Literature cited by the submitters: PubMed 15523652 (cited by 3 submitters); PubMed 15781192 (cited by Labcorp Genetics (formerly Invitae), Labcorp); NCBI Bookshelf NBK1231 (cited by GeneReviews).